The following is an entry in ClinVar:

NM_000051.4(ATM):c.503_504delinsCT (p.Phe168Ser)

Gene: ATM (ATM serine/threonine kinase; plus strand). Cytogenetic location: 11q22.3.
Variant type: Indel.
Coding change: c.503_504delinsCT on transcript NM_000051.4 (MANE Select); coding-DNA positions 503 to 504, TC replaced by CT.
Protein change: p.Phe168Ser; replaces phenylalanine 168 with serine.
Molecular consequence: missense variant.
Genome position (GRCh38, 1-based): chr11:108,243,959-108,243,960, TC replaced by CT. VCF-style: chr11-108243959-TC-CT. GRCh37 (hg19) VCF-style: chr11-108114686-TC-CT.
Other names: c.503_504delinsCT, p.Phe168Ser (NM_001351834.2); short protein forms F168S.
Identifiers: ClinVar variation 4731154 (VCV004731154.1).

ClinVar aggregate classification (germline): Uncertain significance (1 of 4 stars; one submission).

Conditions:
Ataxia-telangiectasia syndrome (AT). Also called: Cerebello-oculocutaneous telangiectasia; Immunodeficiency with ataxia telangiectasia; Ataxia-telangiectasia, complementation group E; LOUIS-BAR SYNDROME; AT, COMPLEMENTATION GROUP C; ATAXIA-TELANGIECTASIA, COMPLEMENTATION GROUP A. Identifiers: Orphanet 100, MedGen C0004135, MONDO:0008840, OMIM 208900.

Submission:

Labcorp Genetics (formerly Invitae), Labcorp
Classification: Uncertain significance for Ataxia-telangiectasia syndrome. Last evaluated: 2025-11-13. Review status: criteria provided, single submitter. Criteria: Invitae Variant Classification Sherloc (09022015). Collection method: clinical testing. Allele origin: germline.
Comment: This sequence change replaces phenylalanine, which is neutral and non-polar, with serine, which is neutral and polar, at codon 168 of the ATM protein (p.Phe168Ser). Information on the frequency of this variant in the gnomAD database is not available, as this variant may be reported differently in the database. This variant has not been reported in the literature in individuals affected with ATM-related conditions. An algorithm developed to predict the effect of missense changes on protein structure and function (PolyPhen-2) suggests that this variant is likely to be tolerated. In summary, the available evidence is currently insufficient to determine the role of this variant in disease. Therefore, it has been classified as a Variant of Uncertain Significance.